The following is an entry in ClinVar:

NM_001042492.3(NF1):c.3813G>A (p.Met1271Ile)

Gene: NF1 (neurofibromin 1; plus strand). Cytogenetic location: 17q11.2.
Variant type: single nucleotide variant.
Coding change: c.3813G>A on transcript NM_001042492.3 (MANE Select); coding-DNA position 3813, G replaced by A.
Protein change: p.Met1271Ile; replaces methionine 1271 with isoleucine.
Molecular consequence: missense variant.
Genome position (GRCh38, 1-based): chr17:31,235,715, G>A. VCF-style: chr17-31235715-G-A. GRCh37 (hg19) VCF-style: chr17-29562733-G-A.
Other names: c.3813G>A, p.Met1271Ile (NM_000267.4); short protein forms M1271I.
Identifiers: ClinVar variation 230435 (VCV000230435.8), dbSNP rs876658565, ClinGen allele CA10580297.

ClinVar aggregate classification (germline): Uncertain significance. Review status: criteria provided, multiple submitters, no conflicts (2 of 4 stars). 2 submissions from 2 submitters: Uncertain significance (2). Last evaluated 2022-04-03.

Conditions:
Hereditary cancer-predisposing syndrome. Also called: Hereditary Cancer Syndrome; Neoplastic Syndromes, Hereditary; Tumor predisposition; Hereditary neoplastic syndrome. Identifiers: Orphanet 140162, MedGen C0027672, MeSH D009386, MONDO:0015356.
Neurofibromatosis, type 1 (NF1). Also called: Neurofibromatosis, type I; VON RECKLINGHAUSEN DISEASE; NEUROFIBROMATOSIS, TYPE I, SOMATIC; Peripheral type neurofibromatosis. Identifiers: Orphanet 636, MedGen C0027831, MONDO:0018975, OMIM 162200. Disease mechanism: loss of function.

Submissions (2):

Labcorp Genetics (formerly Invitae), Labcorp
Classification: Uncertain significance for Neurofibromatosis, type 1. Last evaluated: 2022-04-03. Review status: criteria provided, single submitter. Criteria: Invitae Variant Classification Sherloc (09022015). Collection method: clinical testing. Allele origin: germline.
Comment: Algorithms developed to predict the effect of missense changes on protein structure and function are either unavailable or do not agree on the potential impact of this missense change (SIFT: "Tolerated"; PolyPhen-2: "Possibly Damaging"; Align-GVGD: "Class C0"). In summary, the available evidence is currently insufficient to determine the role of this variant in disease. Therefore, it has been classified as a Variant of Uncertain Significance. ClinVar contains an entry for this variant (Variation ID: 230435). This sequence change replaces methionine, which is neutral and non-polar, with isoleucine, which is neutral and non-polar, at codon 1271 of the NF1 protein (p.Met1271Ile). This variant is not present in population databases (gnomAD no frequency). This variant has not been reported in the literature in individuals affected with NF1-related conditions.

Ambry Genetics
Classification: Uncertain significance for Hereditary cancer-predisposing syndrome. Last evaluated: 2015-02-11. Review status: criteria provided, single submitter. Criteria: Ambry Autosomal Dominant and X-Linked criteria (10/2015). Collection method: clinical testing. Allele origin: germline. Observed: 1 variant allele.
Comment: The p.M1271I variant (also known as c.3813G>A), located in coding exon 28 of the NF1 gene, results from a G to A substitution at nucleotide position 3813. The methionine at codon 1271 is replaced by isoleucine, an amino acid with highly similar properties. This variant was not reported in population based cohorts in the following databases: Database of Single Nucleotide Polymorphisms (dbSNP), NHLBI Exome Sequencing Project (ESP), and 1000 Genomes Project. In the ESP, this variant was not observed in 6503 samples (13006 alleles) with coverage at this position. To date, this alteration has been detected with an allele frequency of approximately 0.003% (greater than 30000alleles tested) in our clinical cohort.This amino acid position is highly conserved in available vertebrate species. In addition, the in silico prediction for this alteration is inconclusive. Since supporting evidence is limited at this time, the clinical significance of p.M1271Iremains unclear.